The following is an entry in ClinVar:

ClinVar aggregate classification (germline): Pathogenic (1 of 4 stars; one submission).

Submission:

Athena Diagnostics
Classification: Pathogenic. Last evaluated: 2025-07-14. Review status: criteria provided, single submitter. Criteria: Athena Diagnostics Criteria. Collection method: clinical testing. Allele origin: unknown.
Comment: This variant has not been reported in large, multi-ethnic general populations. This variant is not expected to cause loss of protein expression through nonsense-mediated decay. However, it disrupts a critical region of the protein, and therefore, is expected to severely disrupt its function. This variant has been identified in at least one individual with clinical features associated with an SCN1A-related disorder. Computational tools yielded predictions that this variant may interfere with normal RNA splicing.

Literature cited by the submitters: PubMed 37095367.

NM_001165963.4(SCN1A):c.3706-2A>C

Genes: SCN1A (sodium voltage-gated channel alpha subunit 1; minus strand), LOC102724058 (uncharacterized LOC102724058; plus strand). Cytogenetic location: 2q24.3.
Variant type: single nucleotide variant.
Coding change: c.3706-2A>C on transcript NM_001165963.4 (MANE Select); the canonical splice acceptor site of the intron before coding-DNA position 3706, A replaced by C.
Molecular consequence: splice acceptor variant.
Genome position (GRCh38, 1-based): chr2:166,012,284, T>G on the plus strand (A>C on the coding strand, the complement: SCN1A is on the minus strand). VCF-style: chr2-166012284-T-G. GRCh37 (hg19) VCF-style: chr2-166868794-T-G.
Other names: c.3673-2A>C (NM_001353949.2, NM_001353950.2, NM_001353951.2 and 2 more transcripts); c.3622-2A>C (NM_001353958.2, NM_001353957.2, NM_001165964.3); c.3706-2A>C (NM_001202435.3, NM_001353948.2); c.3670-2A>C (NM_001353955.2, NM_001353954.2); c.3619-2A>C (NM_001353960.2); c.1264-2A>C (NM_001353961.2).
Identifiers: ClinVar variation 4682450 (VCV004682450.1).